The following is an entry in ClinVar:

ClinVar aggregate classification (germline): Uncertain significance (1 of 4 stars; one submission).

Conditions:
Gorlin syndrome. Also called: Nevoid Basal Cell Carcinoma Syndrome; Basal cell nevus syndrome. Identifiers: Orphanet 377, MedGen C0004779, MONDO:0007187.

gnomAD v4.1: 1 of 1,613,312 alleles (0.000062%); highest among the groups gnomAD compares: Non-Finnish European, 0.000085%; no homozygotes.

Submission:

Labcorp Genetics (formerly Invitae), Labcorp
Classification: Uncertain significance for Gorlin syndrome. Last evaluated: 2019-09-27. Review status: criteria provided, single submitter. Criteria: Invitae Variant Classification Sherloc (09022015). Collection method: clinical testing. Allele origin: germline.
Comment: In summary, the available evidence is currently insufficient to determine the role of this variant in disease. Therefore, it has been classified as a Variant of Uncertain Significance. Algorithms developed to predict the effect of missense changes on protein structure and function (SIFT, PolyPhen-2, Align-GVGD) all suggest that this variant is likely to be tolerated, but these predictions have not been confirmed by published functional studies and their clinical significance is uncertain. This variant has not been reported in the literature in individuals with PTCH1-related conditions. This variant is not present in population databases (ExAC no frequency). This sequence change replaces glutamic acid with lysine at codon 534 of the PTCH1 protein (p.Glu534Lys). The glutamic acid residue is moderately conserved and there is a small physicochemical difference between glutamic acid and lysine.

NM_000264.5(PTCH1):c.1600G>A (p.Glu534Lys)

Gene: PTCH1 (patched 1; minus strand). Cytogenetic location: 9q22.32.
Variant type: single nucleotide variant.
Coding change: c.1600G>A on transcript NM_000264.5 (MANE Select); coding-DNA position 1600, G replaced by A.
Protein change: p.Glu534Lys; replaces glutamic acid 534 with lysine.
Molecular consequence: missense variant. On other transcripts: non-coding transcript variant (1).
Genome position (GRCh38, 1-based): chr9:95,476,761, C>T on the plus strand (G>A on the coding strand, the complement: PTCH1 is on the minus strand). VCF-style: chr9-95476761-C-T. GRCh37 (hg19) VCF-style: chr9-98239043-C-T.
Other names: c.1402G>A, p.Glu468Lys (NM_001083602.3); c.1597G>A, p.Glu533Lys (NM_001083603.3); c.1147G>A, p.Glu383Lys (NM_001083604.3, NM_001083605.3, NM_001083606.3 and 1 more transcripts); c.1444G>A, p.Glu482Lys (NM_001354918.2); short protein forms E383K, E468K, E534K, E482K, E533K.
Identifiers: ClinVar variation 942630 (VCV000942630.10), dbSNP rs1323512738, ClinGen allele CA374118149.